The following is an entry in ClinVar:

NM_032340.4(UQCC2):c.*16C>T

Gene: UQCC2 (ubiquinol-cytochrome c reductase complex assembly factor 2; minus strand). Cytogenetic location: 6p21.31.
Variant type: single nucleotide variant.
Coding change: c.*16C>T on transcript NM_032340.4 (MANE Select); 16 bases downstream of the stop codon, C replaced by T.
Molecular consequence: 3 prime UTR variant.
Genome position (GRCh38, 1-based): chr6:33,697,637, G>A on the plus strand (C>T on the coding strand, the complement: UQCC2 is on the minus strand). VCF-style: chr6-33697637-G-A. GRCh37 (hg19) VCF-style: chr6-33665414-G-A.
Identifiers: ClinVar variation 387464 (VCV000387464.1), dbSNP rs115920642, ClinGen allele CA3762427.
Genomic context (GRCh38, chr6:33,697,637, plus strand): 5'-AACTGGGGCAGTTTTATTGACGATGGCAATGTACAAGACTCCACACCTAGGTATGTGCAC[G>A]AGGTAAGGCCTGAGCTCAGGCCTTATGATCCTCCTCAGGACCCTTGGGGGCAAACTTCTC-3'

ClinVar aggregate classification (germline): Benign (1 of 4 stars; one submission).

Allele frequency attached by ClinVar (database versions not stated): gnomAD exomes 0.00088; ExAC 0.00115; gnomAD 0.00307 and 0.00332; ESP Exome Variant Server 0.00338; TOPMed 0.00375; 1000 Genomes Project 30x 0.00453; 1000 Genomes Project 0.00479.
gnomAD v4.1: 993 of 1,586,150 alleles (0.063%); highest among the groups gnomAD compares: African/African-American, 1.2%; 6 homozygotes.

Submission:

GeneDx
Classification: Benign. Last evaluated: 2016-10-11. Review status: criteria provided, single submitter. Criteria: GeneDx Variant Classification (06012015). Collection method: clinical testing. Allele origin: germline. Affected: yes.
Comment: This variant is considered likely benign or benign based on one or more of the following criteria: it is a conservative change, it occurs at a poorly conserved position in the protein, it is predicted to be benign by multiple in silico algorithms, and/or has population frequency not consistent with disease.